The following is an entry in ClinVar:

ClinVar aggregate classification (germline): Likely benign (1 of 4 stars; one submission).

Submission:

CeGaT Center for Human Genetics Tuebingen
Classification: Likely benign. Last evaluated: 2023-05-01. Review status: criteria provided, single submitter. Criteria: CeGaT Center For Human Genetics Tuebingen Variant Classification Criteria Version 2. Collection method: clinical testing. Allele origin: germline. Affected: yes. Observed: 2 variant alleles.
Comment: TGFBR1: BS1

NM_004612.4(TGFBR1):c.*2106GTT[2]

Gene: TGFBR1 (transforming growth factor beta receptor 1; plus strand). Cytogenetic location: 9q22.33.
Variant type: Microsatellite.
Coding change: c.*2106GTT[2] on transcript NM_004612.4 (MANE Select); two copies in a row of the 3-base unit GTT starting at c.*2106; the reference has three copies in a row; one copy, 3 bases deleted.
Molecular consequence: 3 prime UTR variant.
Genome position (GRCh38, 1-based): chr9:99,151,417-99,151,419, GTT deleted; deleting any 3 consecutive bases within chr9:99,151,409-99,151,419 gives the same sequence; the position shown is the placement nearest the transcript's 3' end. VCF-style (leftmost placement, unchanged base first): chr9-99151408-TTTG-T. GRCh37 (hg19) VCF-style: chr9-101913690-TTTG-T.
Other names: c.*2106GTT[2] (NM_001130916.3, NM_001306210.2).
Identifiers: ClinVar variation 364141 (VCV000364141.29), dbSNP rs886063241, ClinGen allele CA10627820.